The following is an entry in ClinVar:

ClinVar aggregate classification (germline): Conflicting classifications of pathogenicity. Review status: criteria provided, conflicting classifications (1 of 4 stars). 3 submissions from 3 submitters: Uncertain significance (2); Likely benign (1). Last evaluated 2026-08-01.

Conditions:
Bethlem myopathy 1A. Also called: MYOPATHY, BENIGN CONGENITAL, WITH CONTRACTURES; Bethlem myopathy 1; Bethlem Muscular Dystrophy. Identifiers: Orphanet 610, MedGen CN029274, MONDO:0024530, OMIM 158810.
Inborn genetic diseases. Identifiers: MedGen C0950123, MeSH D030342.

Allele frequency attached by ClinVar (database versions not stated): gnomAD 0.00001; TOPMed 0.00001; gnomAD exomes 0.00002.
gnomAD v4.1: 32 of 1,614,072 alleles (0.002%); highest among the groups gnomAD compares: South Asian, 0.016%; no homozygotes.

Submissions (3):

CeGaT Center for Human Genetics Tuebingen
Classification: Uncertain significance. Last evaluated: 2026-08-01. Review status: criteria provided, single submitter. Criteria: CeGaT Center For Human Genetics Tuebingen Variant Classification Criteria Version 2. Collection method: clinical testing. Allele origin: germline. Affected: yes. Observed: 1 variant allele.
Comment: COL6A3: PM2

Labcorp Genetics (formerly Invitae), Labcorp
Classification: Likely benign for Bethlem myopathy 1A. Last evaluated: 2023-05-22. Review status: criteria provided, single submitter. Criteria: Invitae Variant Classification Sherloc (09022015). Collection method: clinical testing. Allele origin: germline.

Ambry Genetics
Classification: Uncertain significance for Inborn genetic diseases. Last evaluated: 2021-09-17. Review status: criteria provided, single submitter. Criteria: Ambry Variant Classification Scheme 2023. Collection method: clinical testing. Allele origin: germline.

NM_004369.4(COL6A3):c.4690C>T (p.Arg1564Cys)

Gene: COL6A3 (collagen type VI alpha 3 chain; minus strand). Cytogenetic location: 2q37.3.
Variant type: single nucleotide variant.
Coding change: c.4690C>T on transcript NM_004369.4 (MANE Select); coding-DNA position 4690, C replaced by T.
Protein change: p.Arg1564Cys; replaces arginine 1564 with cysteine.
Molecular consequence: missense variant.
Genome position (GRCh38, 1-based): chr2:237,368,773, G>A on the plus strand (C>T on the coding strand, the complement: COL6A3 is on the minus strand). VCF-style: chr2-237368773-G-A. GRCh37 (hg19) VCF-style: chr2-238277416-G-A.
Other names: c.2869C>T, p.Arg957Cys (NM_057166.5); c.4072C>T, p.Arg1358Cys (NM_057167.4); short protein forms R1358C, R957C, R1564C.
Identifiers: ClinVar variation 849227 (VCV000849227.12), dbSNP rs200825417, ClinGen allele CA2188832.